The following is an entry in ClinVar:

ClinVar aggregate classification (germline): Pathogenic (1 of 4 stars; one submission).

Conditions:
Gastrointestinal defects and immunodeficiency syndrome 1 (GIDID1). Also called: Combined immunodeficiency-enteropathy spectrum. Identifiers: Orphanet 436252, MedGen C5968858, MONDO:0800030, OMIM 243150.

gnomAD v4.1: 11 of 1,605,610 alleles (0.00069%); highest among the groups gnomAD compares: Admixed American, 0.0034%; no homozygotes.

Submission:

3billion
Classification: Pathogenic for Gastrointestinal defects and immunodeficiency syndrome 1. Last evaluated: 2026-01-26. Review status: criteria provided, single submitter. Criteria: ACMG Guidelines, 2015. Collection method: clinical testing. Allele origin: germline. Affected: yes.
Comment: The variant is observed at an extremely low frequency in the gnomAD v4.1.0 dataset (total allele frequency: <0.001%). Predicted Consequence/Location: Stop-gained (nonsense): predicted to result in a loss or disruption of normal protein function through nonsense-mediated decay (NMD) or protein truncation. Multiple pathogenic variants are reported downstream of the variant. The variant has been reported to be associated with TTC7A-related disorder (PMID: 39873864). Therefore, this variant is classified as Pathogenic according to the recommendation of ACMG/AMP guideline.

Literature cited by the submitters: PubMed 39873864.

NM_020458.4(TTC7A):c.1636C>T (p.Arg546Ter)

Gene: TTC7A (tetratricopeptide repeat domain 7A; plus strand). Cytogenetic location: 2p21.
Variant type: single nucleotide variant.
Coding change: c.1636C>T on transcript NM_020458.4 (MANE Select); coding-DNA position 1636, C replaced by T.
Protein change: p.Arg546Ter; replaces arginine 546 with a stop codon.
Molecular consequence: nonsense.
Genome position (GRCh38, 1-based): chr2:47,024,354, C>T. VCF-style: chr2-47024354-C-T. GRCh37 (hg19) VCF-style: chr2-47251493-C-T.
Other names: c.1636C>T, p.Arg546Ter (NM_001288951.2); c.1534C>T, p.Arg512Ter (NM_001288953.2); c.574C>T, p.Arg192Ter (NM_001288955.2); short protein forms R192*, R512*, R546*.
Identifiers: ClinVar variation 4854576 (VCV004854576.1).